The following is an entry in ClinVar:

ClinVar aggregate classification (germline): Uncertain significance. Review status: criteria provided, multiple submitters, no conflicts (2 of 4 stars). 2 submissions from 2 submitters: Uncertain significance (2). Last evaluated 2023-12-20.

Conditions:
Hereditary nonpolyposis colorectal neoplasms. Identifiers: MedGen C0009405, MeSH D003123.
Hereditary cancer-predisposing syndrome. Also called: Tumor predisposition; Neoplastic Syndromes, Hereditary; Hereditary neoplastic syndrome; Hereditary Cancer Syndrome. Identifiers: Orphanet 140162, MedGen C0027672, MeSH D009386, MONDO:0015356.

Submissions (2):

Labcorp Genetics (formerly Invitae), Labcorp
Classification: Uncertain significance for Hereditary nonpolyposis colorectal neoplasms. Last evaluated: 2023-12-20. Review status: criteria provided, single submitter. Criteria: Invitae Variant Classification Sherloc (09022015). Collection method: clinical testing. Allele origin: germline.
Comment: This sequence change replaces isoleucine, which is neutral and non-polar, with phenylalanine, which is neutral and non-polar, at codon 1313 of the MSH6 protein (p.Ile1313Phe). This variant is not present in population databases (gnomAD no frequency). This variant has not been reported in the literature in individuals affected with MSH6-related conditions. ClinVar contains an entry for this variant (Variation ID: 1514164). Advanced modeling of protein sequence and biophysical properties (such as structural, functional, and spatial information, amino acid conservation, physicochemical variation, residue mobility, and thermodynamic stability) has been performed at Invitae for this missense variant, however the output from this modeling did not meet the statistical confidence thresholds required to predict the impact of this variant on MSH6 protein function. In summary, the available evidence is currently insufficient to determine the role of this variant in disease. Therefore, it has been classified as a Variant of Uncertain Significance.

Ambry Genetics
Classification: Uncertain significance for Hereditary cancer-predisposing syndrome. Last evaluated: 2023-05-28. Review status: criteria provided, single submitter. Criteria: Ambry Variant Classification Scheme 2023. Collection method: clinical testing. Allele origin: germline.
Comment: The p.I1313F variant (also known as c.3937A>T), located in coding exon 9 of the MSH6 gene, results from an A to T substitution at nucleotide position 3937. The isoleucine at codon 1313 is replaced by phenylalanine, an amino acid with highly similar properties. This amino acid position is conserved. In addition, this alteration is predicted to be deleterious by in silico analysis. Since supporting evidence is limited at this time, the clinical significance of this alteration remains unclear.

NM_000179.3(MSH6):c.3937A>T (p.Ile1313Phe)

Gene: MSH6 (mutS homolog 6; plus strand). Cytogenetic location: 2p16.3.
Variant type: single nucleotide variant.
Coding change: c.3937A>T on transcript NM_000179.3 (MANE Select); coding-DNA position 3937, A replaced by T.
Protein change: p.Ile1313Phe; replaces isoleucine 1313 with phenylalanine.
Molecular consequence: missense variant.
Genome position (GRCh38, 1-based): chr2:47,806,587, A>T. VCF-style: chr2-47806587-A-T. GRCh37 (hg19) VCF-style: chr2-48033726-A-T.
Other names: c.3547A>T, p.Ile1183Phe (NM_001281492.2); c.3031A>T, p.Ile1011Phe (NM_001281493.2, NM_001281494.2); c.3937A>T (NM_000179.2); short protein forms I1183F, I1313F, I1011F.
Identifiers: ClinVar variation 1514164 (VCV001514164.9), dbSNP rs1558394171, ClinGen allele CA346761495.